The following is an entry in ClinVar:

NM_001199267.2(DGKZ):c.162-307C>T

Gene: DGKZ (diacylglycerol kinase zeta; plus strand). Cytogenetic location: 11p11.2.
Variant type: single nucleotide variant.
Coding change: c.162-307C>T on transcript NM_001199267.2 (MANE Select); 307 bases into the intron before coding-DNA position 162, C replaced by T.
Molecular consequence: intron variant. On other transcripts: missense variant (1).
Genome position (GRCh38, 1-based): chr11:46,366,984, C>T. VCF-style: chr11-46366984-C-T. GRCh37 (hg19) VCF-style: chr11-46388534-C-T.
Other names: c.728C>T, p.Ala243Val (NM_001105540.2); c.213-307C>T (NM_201532.3); c.177-307C>T (NM_201533.3); c.162-307C>T (NM_001199266.2, NM_003646.4, NM_001199268.2); short protein forms A243V.
Identifiers: ClinVar variation 2865287 (VCV002865287.3), dbSNP rs545907851, ClinGen allele CA221603999.
Genomic context (GRCh38, chr11:46,366,984, plus strand): 5'-GGCGCCAGGTAGCCCTACGGCGCAAGGCGGCCGGACCCCAGGCCTGGAGCGCCCTGCTCG[C>T]GTAGGTATAGCTGTGGCCAGCAGGGCGAGTGGTGTGACCTCCTGTGGGTCTGGCCTGGGC-3'

ClinVar aggregate classification (germline): Uncertain significance (1 of 4 stars; one submission).

Allele frequency attached by ClinVar (database versions not stated): gnomAD 0.00002; TOPMed 0.00004; 1000 Genomes Project 30x 0.00016; 1000 Genomes Project 0.00020.
gnomAD v4.1: 118 of 1,524,692 alleles (0.0077%); highest among the groups gnomAD compares: Middle Eastern, 0.046%; 1 homozygote.

Submission:

Labcorp Genetics (formerly Invitae), Labcorp
Classification: Uncertain significance. Last evaluated: 2024-10-23. Review status: criteria provided, single submitter. Criteria: Invitae Variant Classification Sherloc (09022015). Collection method: clinical testing. Allele origin: germline.
Comment: This sequence change replaces alanine, which is neutral and non-polar, with valine, which is neutral and non-polar, at codon 243 of the DGKZ protein (p.Ala243Val). This variant is not present in population databases (gnomAD no frequency). This variant has not been reported in the literature in individuals affected with DGKZ-related conditions. An algorithm developed to predict the effect of missense changes on protein structure and function outputs the following: PolyPhen-2: "Benign". The valine amino acid residue is found in multiple mammalian species, which suggests that this missense change does not adversely affect protein function. In summary, the available evidence is currently insufficient to determine the role of this variant in disease. Therefore, it has been classified as a Variant of Uncertain Significance.